The following is an entry in ClinVar:

GRCh38/hg38 18q21.2(chr18:51875428-55658999)x1

Genes: C18orf54 (chromosome 18 open reading frame 54; plus strand), CCDC68 (coiled-coil domain containing 68; minus strand), DCC (DCC netrin 1 receptor; plus strand), DYNAP (dynactin associated protein; plus strand), LINC01917 (long intergenic non-protein coding RNA 1917; minus strand) and 59 more. Cytogenetic location: 18q21.2.
Variant type: copy number loss.
Change: copy number 1 (one copy instead of two) of chr18:51,875,428-55,658,999 (3.78 Mb, GRCh38 coordinates, 1-based), cytogenetic band 18q21.2.
Identifiers: ClinVar variation 59964 (VCV000059964.1).

ClinVar aggregate classification (germline): Pathogenic (1 of 4 stars; one submission).

Submission:

ISCA site 17
Classification: Pathogenic. Last evaluated: 2011-08-12. Review status: criteria provided, single submitter. Criteria: Kaminsky et al. (Genet Med. 2011). Collection method: clinical testing. Allele origin: unknown. Affected: yes. Observed: 1 variant allele.
Comment: Copy number variation identified through the course of routine clinical cytogenomic testing in postnatal populations. Clinical assertions have been curated as described in Kaminsky et al. 2011.